The following is an entry in ClinVar:

NM_001220.5(CAMK2B):c.903G>A (p.Lys301=)

Gene: CAMK2B (calcium/calmodulin dependent protein kinase II beta; minus strand). Cytogenetic location: 7p13.
Variant type: single nucleotide variant.
Coding change: c.903G>A on transcript NM_001220.5 (MANE Select); coding-DNA position 903, G replaced by A.
Protein change: p.Lys301=; no amino-acid change (lysine 301 retained).
Molecular consequence: synonymous variant.
Genome position (GRCh38, 1-based): chr7:44,241,700, C>T on the plus strand (G>A on the coding strand, the complement: CAMK2B is on the minus strand). VCF-style: chr7-44241700-C-T. GRCh37 (hg19) VCF-style: chr7-44281299-C-T.
Other names: p.Lys301=; c.903G>A, p.Lys301= (NM_001293170.2, NM_172078.3, NM_172079.3 and 5 more transcripts).
Identifiers: ClinVar variation 2691761 (VCV002691761.2), dbSNP rs2486007657, ClinGen allele CA454589169.

ClinVar aggregate classification (germline): Uncertain significance (0 of 4 stars; one submission).

Conditions:
Intellectual developmental disorder, autosomal dominant 54. Also called: MENTAL RETARDATION, AUTOSOMAL DOMINANT 54; Intellectual disability, autosomal dominant 54. Identifiers: MedGen C4540484, MONDO:0030920, OMIM 617799.

Submission:

Undiagnosed Diseases Network, NIH
Classification: Uncertain significance for Intellectual developmental disorder, autosomal dominant 54. Last evaluated: 2023-09-05. Review status: no assertion criteria provided. Collection method: clinical testing. Allele origin: unknown. Affected: yes. Observed: 1 variant allele, 1 heterozygote. Study: Undiagnosed Diseases Network (NIH), UDN.
Comment: While variant is synonymous, it affects the last nucleotide of the exon. Variants affecting neighboring nucleotides have been reported in patients with CAMK2B-related disorders; splicing was affected in those patients.